The following is an entry in ClinVar:

NM_001243156.2(TAF1C):c.661G>A (p.Gly221Arg)

Gene: TAF1C (TATA-box binding protein associated factor, RNA polymerase I subunit C; minus strand). Cytogenetic location: 16q24.1.
Variant type: single nucleotide variant.
Coding change: c.661G>A on transcript NM_001243156.2 (MANE Select); coding-DNA position 661, G replaced by A.
Protein change: p.Gly221Arg; replaces glycine 221 with arginine.
Molecular consequence: missense variant. On other transcripts: 5 prime UTR variant (4).
Genome position (GRCh38, 1-based): chr16:84,182,262, C>T on the plus strand (G>A on the coding strand, the complement: TAF1C is on the minus strand). VCF-style: chr16-84182262-C-T. GRCh37 (hg19) VCF-style: chr16-84215868-C-T.
Other names: c.-258G>A (NM_001243157.2, NM_001243158.2); c.-617G>A (NM_001243159.2); c.-802G>A (NM_001243160.2); c.661G>A, p.Gly221Arg (NM_005679.4); c.460G>A, p.Gly154Arg (NM_139353.3); short protein forms G154R, G221R.
Identifiers: ClinVar variation 2646916 (VCV002646916.24), dbSNP rs35780231, ClinGen allele CA8204077.

ClinVar aggregate classification (germline): Likely benign (1 of 4 stars; one submission).

Allele frequency attached by ClinVar (database versions not stated): gnomAD exomes 0.00052; gnomAD 0.00072; ExAC 0.00081; ESP Exome Variant Server 0.00123.
gnomAD v4.1: 937 of 1,612,948 alleles (0.058%); highest among the groups gnomAD compares: Admixed American, 0.042%; 11 homozygotes.

Submission:

CeGaT Center for Human Genetics Tuebingen
Classification: Likely benign. Last evaluated: 2023-09-01. Review status: criteria provided, single submitter. Criteria: CeGaT Center For Human Genetics Tuebingen Variant Classification Criteria Version 2. Collection method: clinical testing. Allele origin: germline. Affected: yes. Observed: 1 variant allele.
Comment: TAF1C: BS2